The following is an entry in ClinVar:

NM_144997.7(FLCN):c.127G>T (p.Glu43Ter)

Gene: FLCN (folliculin; minus strand). Cytogenetic location: 17p11.2.
Variant type: single nucleotide variant.
Coding change: c.127G>T on transcript NM_144997.7 (MANE Select); coding-DNA position 127, G replaced by T.
Protein change: p.Glu43Ter; replaces glutamic acid 43 with a stop codon.
Molecular consequence: nonsense.
Genome position (GRCh38, 1-based): chr17:17,228,011, C>A on the plus strand (G>T on the coding strand, the complement: FLCN is on the minus strand). VCF-style: chr17-17228011-C-A. GRCh37 (hg19) VCF-style: chr17-17131325-C-A.
Other names: c.127G>T (LRG_325t1, NM_144997.6); c.127G>T, p.Glu43Ter (NM_001353229.2, NM_001353230.2, NM_001353231.2 and 1 more transcripts); short protein forms E43*.
Identifiers: ClinVar variation 450524 (VCV000450524.12), dbSNP rs1555611494, ClinGen allele CA398535274.

ClinVar aggregate classification (germline): Pathogenic/Likely pathogenic. Review status: criteria provided, multiple submitters, no conflicts (2 of 4 stars). 7 submissions from 7 submitters: Pathogenic (5); Likely pathogenic (2). Last evaluated 2026-04-02.

Conditions:
Hereditary cancer-predisposing syndrome. Also called: Tumor predisposition; Hereditary Cancer Syndrome; Hereditary neoplastic syndrome; Neoplastic Syndromes, Hereditary. Identifiers: Orphanet 140162, MedGen C0027672, MeSH D009386, MONDO:0015356.
Birt-Hogg-Dube syndrome 1 (BHD1). Also called: FIBROFOLLICULOMAS WITH TRICHODISCOMAS AND ACROCHORDONS. Identifiers: Orphanet 122, MedGen CN375946, MONDO:0800445, OMIM 135150.
Birt-Hogg-Dube syndrome. Also called: Birt Hogg Dubé syndrome. Identifiers: Orphanet 122, MedGen C0346010, MONDO:0800444.

Submissions (7):

Women's Health and Genetics/Laboratory Corporation of America, LabCorp
Classification: Pathogenic for Birt-Hogg-Dube syndrome. Last evaluated: 2026-04-02. Review status: criteria provided, single submitter. Criteria: LabCorp Variant Classification Summary - May 2015. Collection method: clinical testing. Allele origin: germline.
Comment: Variant summary: FLCN c.127G>T (p.Glu43X) results in a premature termination codon, predicted to cause a truncation of the encoded protein or absence of the protein due to nonsense mediated decay, which are commonly known mechanisms for disease. The frequency data for this variant in gnomAD is considered unreliable, as metrics indicate poor data quality at this position. To our knowledge, no occurrence of c.127G>T in individuals affected with FLCN-related conditions and no experimental evidence demonstrating its impact on protein function have been reported. ClinVar contains an entry for this variant (Variation ID: 450524). Based on the evidence outlined above, the variant was classified as pathogenic.

Ambry Genetics
Classification: Pathogenic for Hereditary cancer-predisposing syndrome. Last evaluated: 2025-01-09. Review status: criteria provided, single submitter. Criteria: Ambry Variant Classification Scheme 2023. Collection method: clinical testing. Allele origin: germline.
Comment: The p.E43* pathogenic mutation (also known as c.127G>T), located in coding exon 1 of the FLCN gene, results from a G to T substitution at nucleotide position 127. This changes the amino acid from a glutamic acid to a stop codon within coding exon 1. This variant was reported in individual(s) with features consistent with Birt-Hogg-Dube syndrome (Ambry internal data). This variant is considered to be rare based on population cohorts in the Genome Aggregation Database (gnomAD). This alteration is expected to result in loss of function by premature protein truncation or nonsense-mediated mRNA decay. As such, this alteration is interpreted as a disease-causing mutation.

Quest Diagnostics Nichols Institute San Juan Capistrano
Classification: Pathogenic. Last evaluated: 2024-07-09. Review status: criteria provided, single submitter. Criteria: Quest Diagnostics criteria. Collection method: clinical testing. Allele origin: unknown.
Comment: The FLCN c.127G>T (p.Glu43*) variant causes the premature termination of FLCN protein synthesis. This variant has not been reported in individuals with FLCN-related conditions in the published literature. This variant has not been reported in large, multi-ethnic general populations (Genome Aggregation Database). Based on the available information, this variant is classified as pathogenic.

Myriad Genetics, Inc.
Classification: Pathogenic for Birt-Hogg-Dube syndrome 1. Last evaluated: 2024-06-06. Review status: criteria provided, single submitter. Criteria: Myriad Autosomal Dominant, Autosomal Recessive and X-Linked Classification Criteria (2023). Collection method: clinical testing. Allele origin: unknown.
Comment: This variant is considered pathogenic. This variant creates a termination codon and is predicted to result in premature protein truncation.

Baylor Genetics
Classification: Likely pathogenic for Birt-Hogg-Dube syndrome 1. Last evaluated: 2023-10-04. Review status: criteria provided, single submitter. Criteria: ACMG Guidelines, 2015. Collection method: clinical testing. Allele origin: unknown.

Labcorp Genetics (formerly Invitae), Labcorp
Classification: Pathogenic for Birt-Hogg-Dube syndrome. Last evaluated: 2022-01-19. Review status: criteria provided, single submitter. Criteria: Invitae Variant Classification Sherloc (09022015). Collection method: clinical testing. Allele origin: germline.
Comment: This sequence change creates a premature translational stop signal (p.Glu43*) in the FLCN gene. It is expected to result in an absent or disrupted protein product. Loss-of-function variants in FLCN are known to be pathogenic (PMID: 15852235). This variant is not present in population databases (gnomAD no frequency). This variant has not been reported in the literature in individuals affected with FLCN-related conditions. ClinVar contains an entry for this variant (Variation ID: 450524). For these reasons, this variant has been classified as Pathogenic.

GeneDx
Classification: Likely pathogenic. Last evaluated: 2017-07-06. Review status: criteria provided, single submitter. Criteria: GeneDx Variant Classification (06012015). Collection method: clinical testing. Allele origin: germline. Affected: yes.
Comment: The E43X nonsense variant in the FLCN gene has not been published as a pathogenic variant, nor has it been reported as a benign variant to our knowledge. This variant is predicted to cause loss of normal protein function either through protein truncation or nonsense-mediated mRNA decay. The E43X variant is not observed in large population cohorts (Lek et al., 2016; 1000 Genomes Consortium et al., 2015; Exome Variant Server). Based on currently available evidence, E43X is a strong candidate for a pathogenic variant. However, the possibility it may be a rare benign variant cannot be excluded.

Literature cited by the submitters: PubMed 15852235 (cited by Labcorp Genetics (formerly Invitae), Labcorp).